The following is an entry in ClinVar:

NM_001365536.1(SCN9A):c.2855T>C (p.Met952Thr)

Genes: SCN1A-AS1 (SCN1A and SCN9A antisense RNA 1; plus strand), SCN9A (sodium voltage-gated channel alpha subunit 9; minus strand). Cytogenetic location: 2q24.3.
Variant type: single nucleotide variant.
Coding change: c.2855T>C on transcript NM_001365536.1 (MANE Select); coding-DNA position 2855, T replaced by C.
Protein change: p.Met952Thr; replaces methionine 952 with threonine.
Molecular consequence: missense variant.
Genome position (GRCh38, 1-based): chr2:166,277,002, A>G on the plus strand (T>C on the coding strand, the complement: SCN9A is on the minus strand). VCF-style: chr2-166277002-A-G. GRCh37 (hg19) VCF-style: chr2-167133512-A-G.
Other names: c.2822T>C, p.Met941Thr (NM_002977.4); short protein forms M941T, M952T.
Identifiers: ClinVar variation 837980 (VCV000837980.11), dbSNP rs201069557, ClinGen allele CA1944193.

ClinVar aggregate classification (germline): Uncertain significance. Review status: criteria provided, multiple submitters, no conflicts (2 of 4 stars). 2 submissions from 2 submitters: Uncertain significance (2). Last evaluated 2025-09-08.

Conditions:
Neuropathy, hereditary sensory and autonomic, type 2A (HSAN2A). Also called: HSAN IIA; MORVAN DISEASE; NEUROPATHY, CONGENITAL SENSORY; NEUROPATHY, HEREDITARY SENSORY RADICULAR, AUTOSOMAL RECESSIVE; NEUROPATHY, HEREDITARY SENSORY, TYPE IIA; NEUROPATHY, PROGRESSIVE SENSORY, OF CHILDREN. Identifiers: Orphanet 970, MedGen C2752089, MONDO:0024309, OMIM 201300.
Generalized epilepsy with febrile seizures plus, type 7 (GEFSP7). Also called: GEFS+, TYPE 7. Identifiers: Orphanet 36387, MedGen C2751778, MONDO:0013470, OMIM 613863.

Allele frequency attached by ClinVar (database versions not stated): gnomAD exomes below 0.00001 and 0.00002; ExAC 0.00004; TOPMed 0.00005; gnomAD 0.00010 and 0.00011; ESP Exome Variant Server 0.00023.
gnomAD v4.1: 19 of 1,613,556 alleles (0.0012%); highest among the groups gnomAD compares: African/African-American, 0.02%; no homozygotes.

Submissions (2):

Labcorp Genetics (formerly Invitae), Labcorp
Classification: Uncertain significance for Neuropathy, hereditary sensory and autonomic, type 2A; Generalized epilepsy with febrile seizures plus, type 7. Last evaluated: 2025-09-08. Review status: criteria provided, single submitter. Criteria: Invitae Variant Classification Sherloc (09022015). Collection method: clinical testing. Allele origin: germline.
Comment: This sequence change replaces methionine, which is neutral and non-polar, with threonine, which is neutral and polar, at codon 941 of the SCN9A protein (p.Met941Thr). This variant is present in population databases (rs201069557, gnomAD 0.02%). This variant has not been reported in the literature in individuals affected with SCN9A-related conditions. ClinVar contains an entry for this variant (Variation ID: 837980). Invitae Evidence Modeling of protein sequence and biophysical properties (such as structural, functional, and spatial information, amino acid conservation, physicochemical variation, residue mobility, and thermodynamic stability) indicates that this missense variant is not expected to disrupt SCN9A protein function with a negative predictive value of 95%. In summary, the available evidence is currently insufficient to determine the role of this variant in disease. Therefore, it has been classified as a Variant of Uncertain Significance.

Women's Health and Genetics/Laboratory Corporation of America, LabCorp
Classification: Uncertain significance. Last evaluated: 2024-04-04. Review status: criteria provided, single submitter. Criteria: LabCorp Variant Classification Summary - May 2015. Collection method: clinical testing. Allele origin: germline.
Comment: Variant summary: SCN9A c.2822T>C (p.Met941Thr) results in a non-conservative amino acid change located in the Ion transport domain (IPR005821) of the encoded protein sequence. Four of five in-silico tools predict a damaging effect of the variant on protein function. The variant allele was found at a frequency of 2e-05 in 250950 control chromosomes (gnomAD). The available data on variant occurrences in the general population are insufficient to allow any conclusion about variant significance. To our knowledge, no occurrence of c.2822T>C in individuals affected with Channelopathy-Associated Congenital Insensitivity To Pain, Autosomal Recessive and no experimental evidence demonstrating its impact on protein function have been reported. ClinVar contains an entry for this variant (Variation ID: 837980). Based on the evidence outlined above, the variant was classified as uncertain significance.